The following is an entry in ClinVar:

ClinVar aggregate classification (germline): Uncertain significance (1 of 4 stars; one submission).

Conditions:
Breast-ovarian cancer, familial, susceptibility to, 2 (BROVCA2). Also called: BRCA2 Hereditary Breast and Ovarian Cancer. Identifiers: Orphanet 145, MedGen C2675520, MONDO:0012933, OMIM 612555. Disease mechanism: loss of function.

Submission:

All of Us Research Program, National Institutes of Health
Classification: Uncertain significance for Breast-ovarian cancer, familial, susceptibility to, 2. Last evaluated: 2023-06-08. Review status: criteria provided, single submitter. Criteria: ACMG Guidelines, 2015. Collection method: clinical testing. Allele origin: germline. Inheritance: Autosomal dominant inheritance. Observed: 1 variant allele, 1 heterozygote.
Comment: This missense variant replaces aspartic acid with valine at codon 3410 of the BRCA2 protein. Computational prediction suggests that this variant may not impact protein structure and function (internally defined REVEL score threshold <= 0.5, PMID: 27666373). To our knowledge, functional studies have not been reported for this variant. This variant has not been reported in individuals affected with BRCA2-related disorders in the literature. This variant has not been identified in the general population by the Genome Aggregation Database (gnomAD). The available evidence is insufficient to determine the role of this variant in disease conclusively. Therefore, this variant is classified as a Variant of Uncertain Significance.

This study involves interpretation of variants in research participants for the purpose of population health screening. Participant phenotype was not available at the time of variant classification. Additional details can be found in publication PMID: 35346344, PMCID: PMC8962531

NM_000059.4(BRCA2):c.10229A>T (p.Asp3410Val)

Gene: BRCA2 (BRCA2 DNA repair associated; plus strand). Cytogenetic location: 13q13.1.
Variant type: single nucleotide variant.
Coding change: c.10229A>T on transcript NM_000059.4 (MANE Select); coding-DNA position 10229, A replaced by T.
Protein change: p.Asp3410Val; replaces aspartic acid 3410 with valine.
Molecular consequence: missense variant. On other transcripts: non-coding transcript variant (1).
Genome position (GRCh38, 1-based): chr13:32,398,742, A>T. VCF-style: chr13-32398742-A-T. GRCh37 (hg19) VCF-style: chr13-32972879-A-T.
Other names: c.10133A>T, p.Asp3378Val (NM_001406719.1); c.10178A>T, p.Asp3393Val (NM_001406720.1); c.5297A>T, p.Asp1766Val (NM_001406721.1); c.3812A>T, p.Asp1271Val (NM_001406722.1); short protein forms D1271V, D1766V, D3378V, D3393V, D3410V.
Identifiers: ClinVar variation 3071574 (VCV003071574.1), dbSNP rs2137667882, ClinGen allele CA387768568.